The following is an entry in ClinVar:

ClinVar aggregate classification (germline): Likely benign (1 of 4 stars; one submission).

Submission:

CeGaT Center for Human Genetics Tuebingen
Classification: Likely benign. Last evaluated: 2026-04-01. Review status: criteria provided, single submitter. Criteria: CeGaT Center For Human Genetics Tuebingen Variant Classification Criteria Version 2. Collection method: clinical testing. Allele origin: germline. Affected: yes. Observed: 1 variant allele.
Comment: KCNQ3: PM2:Supporting, BP4, BP7

NM_004519.4(KCNQ3):c.235C>A (p.Arg79=)

Gene: KCNQ3 (potassium voltage-gated channel subfamily Q member 3; minus strand). Cytogenetic location: 8q24.22.
Variant type: single nucleotide variant.
Coding change: c.235C>A on transcript NM_004519.4 (MANE Select); coding-DNA position 235, C replaced by A.
Protein change: p.Arg79=; no amino-acid change (arginine 79 retained).
Molecular consequence: synonymous variant.
Genome position (GRCh38, 1-based): chr8:132,480,298, G>T on the plus strand (C>A on the coding strand, the complement: KCNQ3 is on the minus strand). VCF-style: chr8-132480298-G-T. GRCh37 (hg19) VCF-style: chr8-133492545-G-T.
Identifiers: ClinVar variation 4872349 (VCV004872349.2).